The following is an entry in ClinVar:

ClinVar aggregate classification (germline): Uncertain significance (1 of 4 stars; one submission).

Allele frequency attached by ClinVar (database versions not stated): TOPMed below 0.00001; gnomAD exomes 0.00001; ExAC 0.00003.
gnomAD v4.1: 9 of 1,574,122 alleles (0.00057%); highest among the groups gnomAD compares: South Asian, 0.0024%; no homozygotes.

Submission:

GeneDx
Classification: Uncertain significance. Last evaluated: 2022-04-28. Review status: criteria provided, single submitter. Criteria: GeneDx Variant Classification Process June 2021. Collection method: clinical testing. Allele origin: germline. Affected: yes.
Comment: In silico analysis supports that this missense variant does not alter protein structure/function; Has not been previously published as pathogenic or benign to our knowledge

NM_004958.4(MTOR):c.13G>A (p.Gly5Arg)

Gene: MTOR (mechanistic target of rapamycin kinase; minus strand). Cytogenetic location: 1p36.22.
Variant type: single nucleotide variant.
Coding change: c.13G>A on transcript NM_004958.4 (MANE Select); coding-DNA position 13, G replaced by A.
Protein change: p.Gly5Arg; replaces glycine 5 with arginine.
Molecular consequence: missense variant. On other transcripts: 5 prime UTR variant (1).
Genome position (GRCh38, 1-based): chr1:11,259,397, C>T on the plus strand (G>A on the coding strand, the complement: MTOR is on the minus strand). VCF-style: chr1-11259397-C-T. GRCh37 (hg19) VCF-style: chr1-11319454-C-T.
Other names: c.13G>A, p.Gly5Arg (NM_001386500.1); c.-1127G>A (NM_001386501.1); short protein forms G5R.
Identifiers: ClinVar variation 1686706 (VCV001686706.2), dbSNP rs774041749, ClinGen allele CA591049.
Genomic context (GRCh38, chr1:11,259,397, plus strand): 5'-ACTGCTGCAGGACGCTCACATTGCTAGATGTGGTGGCAGCGGTGGTGGCGGCGGCAGGTC[C>T]GGTTCCAAGCATCTTGCCCTGAGGTTCTTTAGAGAGAAGTTTCCTTTAATATTCTGGATA-3'
Protein context (NP_004949.1, residues 1-15): MLGT[Gly5Arg]PAAATTAATT